The following continues an entry in ClinVar:

NM_000350.3(ABCA4):c.2828G>A (p.Arg943Gln)

Gene: ABCA4. ClinVar aggregate classification (germline): Likely benign. Likely benign (1).

Submissions 18 to 23 of 23:

OMIM
Classification: Pathogenic for STARGARDT DISEASE 1. Last evaluated: 2002-06-14. Review status: no assertion criteria provided. Collection method: literature only. Allele origin: germline. Not counted in ClinVar's aggregate classification.

Clinical Genetics, Academic Medical Center
Classification: Benign. Review status: no assertion criteria provided. Collection method: clinical testing. Allele origin: germline. Affected: yes. Study: VKGL Data-share Consensus. Not counted in ClinVar's aggregate classification.

Diagnostic Laboratory, Department of Genetics, University Medical Center Groningen
Classification: Benign. Review status: no assertion criteria provided. Collection method: clinical testing. Allele origin: germline. Affected: yes. Study: VKGL Data-share Consensus. Not counted in ClinVar's aggregate classification.

Joint Genome Diagnostic Labs from Nijmegen and Maastricht, Radboudumc and MUMC+
Classification: Benign. Review status: no assertion criteria provided. Collection method: clinical testing. Allele origin: germline. Affected: yes. Study: VKGL Data-share Consensus. Not counted in ClinVar's aggregate classification.

Ophthalmo-Genetics Lab, Instituto de Oftalmologia Conde de Valenciana
Classification: Uncertain significance for Stargardt disease 3. Review status: no assertion criteria provided. Collection method: research. Allele origin: germline. Inheritance: Autosomal recessive inheritance. Affected: yes. Not counted in ClinVar's aggregate classification.

Retina International
No classification provided. Review status: no classification provided. Collection method: not provided. Allele origin: unknown. Not counted in ClinVar's aggregate classification.

Literature cited by the submitters: PubMed 9973280 (cited by 3billion); PubMed 11919200 (cited by Institute of Human Genetics, Univ. Regensburg, Univ. Regensburg and OMIM); PubMed 20981092 (cited by Institute of Human Genetics, Univ. Regensburg, Univ. Regensburg); PubMed 21330655 (cited by Institute of Human Genetics, Univ. Regensburg, Univ. Regensburg); PubMed 23144455 (cited by Institute of Human Genetics, Univ. Regensburg, Univ. Regensburg); PubMed 22264887 (cited by Institute of Human Genetics, Univ. Regensburg, Univ. Regensburg); PubMed 22995991 (cited by Institute of Human Genetics, Univ. Regensburg, Univ. Regensburg); PubMed 23419329 (cited by Institute of Human Genetics, Univ. Regensburg, Univ. Regensburg); PubMed 25087612 (cited by Institute of Human Genetics, Univ. Regensburg, Univ. Regensburg); PubMed 25097241 (cited by Institute of Human Genetics, Univ. Regensburg, Univ. Regensburg); PubMed 28118664 (cited by Institute of Human Genetics, Univ. Regensburg, Univ. Regensburg); PubMed 27939946 (cited by Institute of Human Genetics, Univ. Regensburg, Univ. Regensburg); PubMed 29555955 (cited by Institute of Human Genetics, Univ. Regensburg, Univ. Regensburg); PubMed 31456290 (cited by Institute of Human Genetics, Univ. Regensburg, Univ. Regensburg); PubMed 10880298 (cited by OMIM); PubMed 9054934 (cited by OMIM); PubMed 10090887 (cited by OMIM); PubMed 25066811 (cited by Ophthalmo-Genetics Lab, Instituto de Oftalmologia Conde de Valenciana).